The following is an entry in ClinVar:

NM_020937.4(FANCM):c.2392A>G (p.Arg798Gly)

Gene: FANCM (FA complementation group M; plus strand). Cytogenetic location: 14q21.2.
Variant type: single nucleotide variant.
Coding change: c.2392A>G on transcript NM_020937.4 (MANE Select); coding-DNA position 2392, A replaced by G.
Protein change: p.Arg798Gly; replaces arginine 798 with glycine.
Molecular consequence: missense variant.
Genome position (GRCh38, 1-based): chr14:45,175,146, A>G. VCF-style: chr14-45175146-A-G. GRCh37 (hg19) VCF-style: chr14-45644349-A-G.
Other names: c.2314A>G, p.Arg772Gly (NM_001308133.2); short protein forms R798G, R772G.
Identifiers: ClinVar variation 955498 (VCV000955498.9), dbSNP rs772286894, ClinGen allele CA7169350.

ClinVar aggregate classification (germline): Uncertain significance. Review status: criteria provided, multiple submitters, no conflicts (2 of 4 stars). 2 submissions from 2 submitters: Uncertain significance (2). Last evaluated 2025-04-17.

Conditions:
Fanconi anemia (FA). Also called: Fanconi's anemia. Identifiers: Orphanet 84, MedGen C0015625, MeSH D005199, MONDO:0019391.

Allele frequency attached by ClinVar (database versions not stated): TOPMed below 0.00001; gnomAD 0.00001; gnomAD exomes 0.00001; ExAC 0.00002.
gnomAD v4.1: 14 of 1,611,980 alleles (0.00087%); highest among the groups gnomAD compares: Non-Finnish European, 0.0011%; no homozygotes.

Submissions (2):

Labcorp Genetics (formerly Invitae), Labcorp
Classification: Uncertain significance for Fanconi anemia. Last evaluated: 2025-04-17. Review status: criteria provided, single submitter. Criteria: Invitae Variant Classification Sherloc (09022015). Collection method: clinical testing. Allele origin: germline.
Comment: This sequence change replaces arginine, which is basic and polar, with glycine, which is neutral and non-polar, at codon 798 of the FANCM protein (p.Arg798Gly). This variant is present in population databases (rs772286894, gnomAD 0.003%). This variant has not been reported in the literature in individuals affected with FANCM-related conditions. ClinVar contains an entry for this variant (Variation ID: 955498). An algorithm developed to predict the effect of missense changes on protein structure and function outputs the following: PolyPhen-2: "Benign". The glycine amino acid residue is found in multiple mammalian species, which suggests that this missense change does not adversely affect protein function. In summary, the available evidence is currently insufficient to determine the role of this variant in disease. Therefore, it has been classified as a Variant of Uncertain Significance.

GeneDx
Classification: Uncertain significance. Last evaluated: 2023-04-09. Review status: criteria provided, single submitter. Criteria: GeneDx Variant Classification Process June 2021. Collection method: clinical testing. Allele origin: germline. Affected: yes.
Comment: Not observed at significant frequency in large population cohorts (gnomAD); In silico analysis supports that this missense variant has a deleterious effect on protein structure/function; Has not been previously published as pathogenic or benign to our knowledge; This variant is associated with the following publications: (PMID: 32286303)